The following is an entry in ClinVar:

ClinVar aggregate classification (germline): Uncertain significance. Review status: criteria provided, multiple submitters, no conflicts (2 of 4 stars). 3 submissions from 3 submitters: Uncertain significance (3). Last evaluated 2025-03-25.

Conditions:
Aortic aneurysm, familial thoracic 4 (AAT4). Also called: AORTIC ANEURYSM/AORTIC DISSECTION AND PATENT DUCTUS ARTERIOSUS. Identifiers: MedGen C1851504, MONDO:0007568, OMIM 132900.

Submissions (3):

Labcorp Genetics (formerly Invitae), Labcorp
Classification: Uncertain significance for Aortic aneurysm, familial thoracic 4. Last evaluated: 2025-03-25. Review status: criteria provided, single submitter. Criteria: Invitae Variant Classification Sherloc (09022015). Collection method: clinical testing. Allele origin: germline.
Comment: This variant, c.5456_5461dup, results in the insertion of 2 amino acid(s) of the MYH11 protein (p.Phe1819_Lys1820dup), but otherwise preserves the integrity of the reading frame. This variant is present in population databases (no rsID available, gnomAD 0.0009%). This variant has not been reported in the literature in individuals affected with MYH11-related conditions. ClinVar contains an entry for this variant (Variation ID: 218496). In summary, the available evidence is currently insufficient to determine the role of this variant in disease. Therefore, it has been classified as a Variant of Uncertain Significance.

Revvity Omics, Revvity
Classification: Uncertain significance. Last evaluated: 2024-07-19. Review status: criteria provided, single submitter. Criteria: ACMG Guidelines, 2015. Collection method: clinical testing. Allele origin: germline.

Genomic Diagnostic Laboratory, Division of Genomic Diagnostics, Children's Hospital of Philadelphia
Classification: Uncertain significance for Aortic aneurysm, familial thoracic 4. Last evaluated: 2015-07-10. Review status: criteria provided, single submitter. Criteria: DGD Variant Analysis Guidelines. Collection method: clinical testing. Allele origin: unknown.

NM_002474.3(MYH11):c.5435_5440dup (p.Lys1813_Ser1814insPheLys)

Genes: NDE1 (nudE neurodevelopment protein 1; plus strand), MYH11 (myosin heavy chain 11; minus strand). Cytogenetic location: 16p13.11.
Variant type: Duplication.
Coding change: c.5435_5440dup on transcript NM_002474.3 (MANE Select); coding-DNA positions 5435 to 5440, 6 bases duplicated (TCAAGT; older notation c.5435_5440dupTCAAGT).
Protein change: p.Lys1813_Ser1814insPheLys.
Molecular consequence: inframe insertion. On other transcripts: intron variant (2).
Genome position (GRCh38, 1-based): chr16:15,717,204-15,717,209, ACTTGA duplicated on the plus strand (TCAAGT on the coding strand, the reverse complement: MYH11 is on the minus strand); duplicating any 6 consecutive bases within chr16:15,717,204-15,717,214 gives the same sequence; the c. name uses the placement nearest the transcript's 3' end. VCF-style (leftmost placement, unchanged base first): chr16-15717203-G-GACTTGA. GRCh37 (hg19) VCF-style: chr16-15811060-G-GACTTGA.
Other names: c.5456_5461dup, p.Lys1820_Ser1821insPheLys (NM_001040113.2, NM_001040114.2); c.5435_5440dup, p.Lys1813_Ser1814insPheLys (NM_022844.3); c.948-6982_948-6977dup (NM_001143979.2, NM_017668.3).
Identifiers: ClinVar variation 218496 (VCV000218496.5), dbSNP rs864309564, ClinGen allele CA277891.